The following is an entry in ClinVar:

NM_000138.5(FBN1):c.6623_6627del (p.Asn2208fs)

Gene: FBN1 (fibrillin 1; minus strand). Cytogenetic location: 15q21.1.
Variant type: Deletion.
Coding change: c.6623_6627del on transcript NM_000138.5 (MANE Select); coding-DNA positions 6623 to 6627, 5 bases deleted (ATGAA; older notation c.6623_6627delATGAA).
Protein change: p.Asn2208fs; shifts the reading frame from asparagine 2208.
Molecular consequence: frameshift variant.
Genome position (GRCh38, 1-based): chr15:48,432,978-48,432,982, TTCAT deleted on the plus strand (ATGAA on the coding strand, the reverse complement: FBN1 is on the minus strand); deleting any 5 consecutive bases within chr15:48,432,978-48,432,984 gives the same sequence; the c. name uses the placement nearest the transcript's 3' end. VCF-style (leftmost placement, unchanged base first): chr15-48432977-ATTCAT-A. GRCh37 (hg19) VCF-style: chr15-48725174-ATTCAT-A.
Other names: c.6623_6627delATGAA (NM_000138.4); short protein forms N2208fs.
Identifiers: ClinVar variation 647381 (VCV000647381.2), dbSNP rs1597522572, ClinGen allele CA915946646.

ClinVar aggregate classification (germline): Pathogenic (1 of 4 stars; one submission).

Conditions:
Familial thoracic aortic aneurysm and aortic dissection (TAAD). Also called: Thoracic aortic aneurysms and dissections. Identifiers: Orphanet 91387, MedGen C4707243, MONDO:0019625.
Marfan syndrome (MFS). Also called: FBN1-Related Marfan Syndrome; Marfan syndrome type 1; Marfan's syndrome; Marfan syndrome, classic; MARFAN SYNDROME, TYPE I. Identifiers: Orphanet 284963, Orphanet 558, MedGen C0024796, MONDO:0007947, OMIM 154700.

Submission:

Labcorp Genetics (formerly Invitae), Labcorp
Classification: Pathogenic for Marfan syndrome; Familial thoracic aortic aneurysm and aortic dissection. Last evaluated: 2018-10-31. Review status: criteria provided, single submitter. Criteria: Invitae Variant Classification Sherloc (09022015). Collection method: clinical testing. Allele origin: germline.
Comment: This sequence change creates a premature translational stop signal (p.Asn2208Metfs*20) in the FBN1 gene. It is expected to result in an absent or disrupted protein product. This variant is not present in population databases (ExAC no frequency). This variant has not been reported in the literature in individuals with FBN1-related disease. Loss-of-function variants in FBN1 are known to be pathogenic (PMID: 17657824, 19293843). For these reasons, this variant has been classified as Pathogenic.

Literature cited by the submitters: PubMed 17657824; PubMed 19293843.